The following is an entry in ClinVar:

ClinVar aggregate classification (germline): Conflicting classifications of pathogenicity. Review status: criteria provided, conflicting classifications (1 of 4 stars). 4 submissions from 4 submitters: Pathogenic (1); Likely pathogenic (2); Uncertain significance (1). Last evaluated 2026-02-26.

Conditions:
F7-related disorder. Also called: F7-related condition.

Allele frequency attached by ClinVar (database versions not stated): gnomAD exomes 0.00009; ExAC 0.00031; gnomAD 0.00101; TOPMed 0.00102; ESP Exome Variant Server 0.00108; 1000 Genomes Project 30x 0.00109; 1000 Genomes Project 0.00120.
gnomAD v4.1: 284 of 1,613,086 alleles (0.018%); highest among the groups gnomAD compares: African/African-American, 0.3%; no homozygotes.

Submissions (4):

Dasa
Classification: Likely pathogenic. Last evaluated: 2026-02-26. Review status: criteria provided, single submitter. Criteria: DASA Assertion Criteria. Collection method: clinical testing. Allele origin: germline.
Comment: NM_019616.4(F7):c.1057C>T (p.Arg353Trp) is a missense variant that results in the substitution of arginine with tryptophan. The affected residue or protein region has prior evidence supporting clinical relevance. This variant has been recurrently observed in individuals with F7-related disorders (PMID: 37055848; PMID: 15590402). Functional evidence supports an impact on the gene or gene product (PMID: 37055848; PMID: 15590402; PMID: 18976247; PMID: 38397060; PMID: 32333443). Also, this variant is rare in population databases. Based on the currently available evidence, this variant is classified as likely pathogenic.

PreventionGenetics, part of Exact Sciences
Classification: Likely pathogenic for F7-related condition. Last evaluated: 2025-11-10. Review status: criteria provided, single submitter. Criteria: ACMG Guidelines, 2015. Collection method: clinical testing. Allele origin: germline.
Comment: The F7 c.1123C>T variant is predicted to result in the amino acid substitution p.Arg375Trp. This variant was reported previously in a patient with mild coagulation factor VII deficiency who was compound heterozygous for c.1123C>T and another pathogenic variant (referred to as R315W, Furlan Freguia et al. 2004. PubMed: 15590402). Functional studies indicate that the p.Arg375Trp substitution alters several functional properties of the F7 protein (Furlan Freguia et al. 2004. PubMed: 15590402). This variant is reported in 0.29% of alleles in individuals of African descent in gnomAD. This variant is interpreted as likely pathogenic.

Mayo Clinic Laboratories, Mayo Clinic
Classification: Pathogenic. Last evaluated: 2025-05-20. Review status: criteria provided, single submitter. Criteria: ACMG Guidelines, 2015. Collection method: clinical testing. Allele origin: germline. Observed: 8 variant alleles.
Comment: PM3, PS3, PS4

Blueprint Genetics
Classification: Uncertain significance. Last evaluated: 2024-06-25. Review status: criteria provided, single submitter. Criteria: ACMG Guidelines, 2015. Collection method: clinical testing. Allele origin: germline.

Literature cited by the submitters: PubMed 37055848 (cited by Dasa and Mayo Clinic Laboratories, Mayo Clinic); PubMed 15590402 (cited by Dasa and Mayo Clinic Laboratories, Mayo Clinic); PubMed 18976247 (cited by Dasa and Mayo Clinic Laboratories, Mayo Clinic); PubMed 38397060 (cited by Dasa and Mayo Clinic Laboratories, Mayo Clinic); PubMed 32333443 (cited by Dasa and Mayo Clinic Laboratories, Mayo Clinic); PubMed 16732384 (cited by Mayo Clinic Laboratories, Mayo Clinic); PubMed 35552711 (cited by Mayo Clinic Laboratories, Mayo Clinic).

NM_019616.4(F7):c.1057C>T (p.Arg353Trp)

Gene: F7 (coagulation factor VII; plus strand). Cytogenetic location: 13q34.
Variant type: single nucleotide variant.
Coding change: c.1057C>T on transcript NM_019616.4 (MANE Select); coding-DNA position 1057, C replaced by T.
Protein change: p.Arg353Trp; replaces arginine 353 with tryptophan.
Molecular consequence: missense variant. On other transcripts: non-coding transcript variant (1).
Genome position (GRCh38, 1-based): chr13:113,118,730, C>T. VCF-style: chr13-113118730-C-T. GRCh37 (hg19) VCF-style: chr13-113773044-C-T.
Other names: p.Arg375Trp; c.871C>T, p.Arg291Trp (NM_001267554.2); c.1123C>T, p.Arg375Trp (NM_000131.5); short protein forms R291W, R353W, R375W.
Identifiers: ClinVar variation 2634242 (VCV002634242.10), dbSNP rs137919286, ClinGen allele CA7060224.